The following is an entry in ClinVar:

NM_020529.3(NFKBIA):c.688C>G (p.Pro230Ala)

Gene: NFKBIA (NFKB inhibitor alpha; minus strand). Cytogenetic location: 14q13.2.
Variant type: single nucleotide variant.
Coding change: c.688C>G on transcript NM_020529.3 (MANE Select); coding-DNA position 688, C replaced by G.
Protein change: p.Pro230Ala; replaces proline 230 with alanine.
Molecular consequence: missense variant.
Genome position (GRCh38, 1-based): chr14:35,402,612, G>C on the plus strand (C>G on the coding strand, the complement: NFKBIA is on the minus strand). VCF-style: chr14-35402612-G-C. GRCh37 (hg19) VCF-style: chr14-35871818-G-C.
Other names: short protein forms P230A.
Identifiers: ClinVar variation 2103294 (VCV002103294.4), dbSNP rs894738851, ClinGen allele CA258861068.

ClinVar aggregate classification (germline): Uncertain significance (1 of 4 stars; one submission).

Conditions:
Ectodermal dysplasia and immunodeficiency 2. Identifiers: Orphanet 238468, Orphanet 98813, MedGen C2677481, MONDO:0012806, OMIM 612132.

gnomAD v4.1: 1 of 1,614,248 alleles (0.000062%); highest among the groups gnomAD compares: Non-Finnish European, 0.000085%; no homozygotes.

Submission:

Labcorp Genetics (formerly Invitae), Labcorp
Classification: Uncertain significance for Ectodermal dysplasia and immunodeficiency 2. Last evaluated: 2022-08-15. Review status: criteria provided, single submitter. Criteria: Invitae Variant Classification Sherloc (09022015). Collection method: clinical testing. Allele origin: germline.
Comment: In summary, the available evidence is currently insufficient to determine the role of this variant in disease. Therefore, it has been classified as a Variant of Uncertain Significance. Algorithms developed to predict the effect of missense changes on protein structure and function (SIFT, PolyPhen-2, Align-GVGD) all suggest that this variant is likely to be tolerated. This variant has not been reported in the literature in individuals affected with NFKBIA-related conditions. This variant is present in population databases (no rsID available, gnomAD 0.0009%). This sequence change replaces proline, which is neutral and non-polar, with alanine, which is neutral and non-polar, at codon 230 of the NFKBIA protein (p.Pro230Ala).